The following is an entry in ClinVar:

ClinVar aggregate classification (germline): Pathogenic. Review status: criteria provided, multiple submitters, no conflicts (2 of 4 stars). 4 submissions from 4 submitters: Pathogenic (4). Last evaluated 2025-12-27.

Conditions:
Usher syndrome type 1B (USH1B). Also called: Usher syndrome type IB. Identifiers: MedGen C1848638, MONDO:0700087.
MYO7A-related disorder. Also called: MYO7A-related disorders.

Allele frequency attached by ClinVar (database versions not stated): gnomAD exomes below 0.00001.
gnomAD v4.1: 1 of 1,613,580 alleles (0.000062%); highest among the groups gnomAD compares: African/African-American, 0.0013%; no homozygotes.

Submissions (4):

Natera, Inc.
Classification: Pathogenic for Usher syndrome type 1B. Last evaluated: 2025-12-27. Review status: criteria provided, single submitter. Criteria: Natera Variant Classification Schema (03/2026). Collection method: clinical testing. Allele origin: germline.
Comment: The c.5623C>T variant in MYO7A is a nonsense variant predicted to introduce a stop codon at amino acid 1875. This variant is expected to result in nonsense mediated decay, truncation, or a dysfunctional protein product. This variant is rare in the general population with a frequency below the threshold expected for the associated phenotype(s). This variant has been observed in one or more individuals affected with the associated recessive disease, as either homozygous or compound heterozygous with a second variant (PMID: 21436283). Given the available evidence, this variant is classified as Pathogenic.

Labcorp Genetics (formerly Invitae), Labcorp
Classification: Pathogenic. Last evaluated: 2025-04-23. Review status: criteria provided, single submitter. Criteria: Invitae Variant Classification Sherloc (09022015). Collection method: clinical testing. Allele origin: germline.
Comment: This sequence change creates a premature translational stop signal (p.Gln1875*) in the MYO7A gene. It is expected to result in an absent or disrupted protein product. Loss-of-function variants in MYO7A are known to be pathogenic (PMID: 8900236, 25404053). This variant is present in population databases (no rsID available, gnomAD 0.007%). This premature translational stop signal has been observed in individual(s) with Usher syndrome (PMID: 21436283). ClinVar contains an entry for this variant (Variation ID: 1070293). For these reasons, this variant has been classified as Pathogenic.

GeneDx
Classification: Pathogenic. Last evaluated: 2024-06-17. Review status: criteria provided, single submitter. Criteria: GeneDx Variant Classification Process June 2021. Collection method: clinical testing. Allele origin: germline.
Comment: Nonsense variant predicted to result in protein truncation or nonsense mediated decay in a gene for which loss of function is a known mechanism of disease; Not observed at significant frequency in large population cohorts (gnomAD); This variant is associated with the following publications: (PMID: 25525159, 31964843, 21436283)

Blueprint Genetics
Classification: Pathogenic for MYO7A-related disorders. Last evaluated: 2023-04-11. Review status: criteria provided, single submitter. Criteria: ACMG Guidelines, 2015. Collection method: clinical testing. Allele origin: germline. Affected: yes. Observed: 3 variant alleles.

Literature cited by the submitters: PubMed 21436283 (cited by Natera, Inc. and Labcorp Genetics (formerly Invitae), Labcorp); PubMed 8900236 (cited by Labcorp Genetics (formerly Invitae), Labcorp); PubMed 25404053 (cited by Labcorp Genetics (formerly Invitae), Labcorp).

NM_000260.4(MYO7A):c.5623C>T (p.Gln1875Ter)

Gene: MYO7A (myosin VIIA; plus strand). Cytogenetic location: 11q13.5.
Variant type: single nucleotide variant.
Coding change: c.5623C>T on transcript NM_000260.4 (MANE Select); coding-DNA position 5623, C replaced by T.
Protein change: p.Gln1875Ter; replaces glutamine 1875 with a stop codon.
Molecular consequence: nonsense.
Genome position (GRCh38, 1-based): chr11:77,205,604, C>T. VCF-style: chr11-77205604-C-T. GRCh37 (hg19) VCF-style: chr11-76916649-C-T.
Other names: c.5623C>T (NM_000260.3); c.5509C>T, p.Gln1837Ter (NM_001127180.2); c.5476C>T, p.Gln1826Ter (NM_001369365.1); short protein forms Q1826*, Q1837*, Q1875*.
Identifiers: ClinVar variation 1070293 (VCV001070293.12), dbSNP rs899950389, ClinGen allele CA224853998.
Genomic context (GRCh38, chr11:77,205,604, plus strand): 5'-CAGCGCTTCCTGCAGTCCCGAAAGCACTGCCCACTCGCCATCGACTGCCTGCAACGGCTC[C>T]AGAAAGCCCTGAGGTACAGCGGCCACCAGGGGCAGGGACAGACACTGGGGCGGGCTCCTG-3'